The following is an entry in ClinVar:

ClinVar aggregate classification (germline): Uncertain significance (1 of 4 stars; one submission).

Conditions:
OPHN1-related disorder.

Submission:

PreventionGenetics, part of Exact Sciences
Classification: Uncertain significance for OPHN1-related condition. Last evaluated: 2023-05-30. Review status: criteria provided, single submitter. Criteria: ACMG Guidelines, 2015. Collection method: clinical testing. Allele origin: germline.
Comment: The OPHN1 c.467A>G variant is predicted to result in the amino acid substitution p.Lys156Arg. To our knowledge, this variant has not been reported in the literature or in a large population database, indicating this variant is rare. At this time, the clinical significance of this variant is uncertain due to the absence of conclusive functional and genetic evidence.

NM_002547.3(OPHN1):c.467A>G (p.Lys156Arg)

Gene: OPHN1 (oligophrenin 1; minus strand). Cytogenetic location: Xq12.
Variant type: single nucleotide variant.
Coding change: c.467A>G on transcript NM_002547.3 (MANE Select); coding-DNA position 467, A replaced by G.
Protein change: p.Lys156Arg; replaces lysine 156 with arginine.
Molecular consequence: missense variant.
Genome position (GRCh38, 1-based): chrX:68,234,506, T>C on the plus strand (A>G on the coding strand, the complement: OPHN1 is on the minus strand). VCF-style: chrX-68234506-T-C. GRCh37 (hg19) VCF-style: chrX-67454348-T-C.
Other names: short protein forms K156R.
Identifiers: ClinVar variation 2632700 (VCV002632700.1), dbSNP rs2519838163, ClinGen allele CA413432201.